The following is an entry in ClinVar:

NM_001378457.1(DMXL2):c.4015G>T (p.Val1339Leu)

Gene: DMXL2 (Dmx like 2; minus strand). Cytogenetic location: 15q21.2.
Variant type: single nucleotide variant.
Coding change: c.4015G>T on transcript NM_001378457.1 (MANE Select); coding-DNA position 4015, G replaced by T.
Protein change: p.Val1339Leu; replaces valine 1339 with leucine.
Molecular consequence: missense variant. On other transcripts: non-coding transcript variant (2), intron variant (2).
Genome position (GRCh38, 1-based): chr15:51,499,209, C>A on the plus strand (G>T on the coding strand, the complement: DMXL2 is on the minus strand). VCF-style: chr15-51499209-C-A. GRCh37 (hg19) VCF-style: chr15-51791406-C-A.
Other names: c.4015G>T, p.Val1339Leu (NM_001174116.3, NM_001378458.1, NM_001378459.1 and 4 more transcripts); c.3775G>T, p.Val1259Leu (NM_001378464.1); c.2765-7462G>T (NM_001378460.1); c.2765-4075G>T (NM_001174117.3); short protein forms V1339L, V1259L.
Identifiers: ClinVar variation 1428358 (VCV001428358.8), dbSNP rs1262143694, ClinGen allele CA392433332.

ClinVar aggregate classification (germline): Uncertain significance (1 of 4 stars; one submission).

Submission:

Labcorp Genetics (formerly Invitae), Labcorp
Classification: Uncertain significance. Last evaluated: 2021-07-21. Review status: criteria provided, single submitter. Criteria: Invitae Variant Classification Sherloc (09022015). Collection method: clinical testing. Allele origin: germline.
Comment: In summary, the available evidence is currently insufficient to determine the role of this variant in disease. Therefore, it has been classified as a Variant of Uncertain Significance. This sequence change replaces valine with leucine at codon 1339 of the DMXL2 protein (p.Val1339Leu). The valine residue is moderately conserved and there is a small physicochemical difference between valine and leucine. This variant is not present in population databases (ExAC no frequency). This variant has not been reported in the literature in individuals affected with DMXL2-related conditions. Algorithms developed to predict the effect of missense changes on protein structure and function (SIFT, PolyPhen-2, Align-GVGD) all suggest that this variant is likely to be tolerated.